The following is an entry in ClinVar:

ClinVar aggregate classification (germline): Uncertain significance (1 of 4 stars; one submission).

Allele frequency attached by ClinVar (database versions not stated): gnomAD exomes below 0.00001.
gnomAD v4.1: 1 of 1,613,770 alleles (0.000062%); highest among the groups gnomAD compares: Admixed American, 0.0017%; no homozygotes.

Submission:

Labcorp Genetics (formerly Invitae), Labcorp
Classification: Uncertain significance. Last evaluated: 2022-03-30. Review status: criteria provided, single submitter. Criteria: Invitae Variant Classification Sherloc (09022015). Collection method: clinical testing. Allele origin: germline.
Comment: This variant is present in population databases (no rsID available, gnomAD 0.003%). This sequence change replaces threonine, which is neutral and polar, with alanine, which is neutral and non-polar, at codon 612 of the C6 protein (p.Thr612Ala). This variant has not been reported in the literature in individuals affected with C6-related conditions. In summary, the available evidence is currently insufficient to determine the role of this variant in disease. Therefore, it has been classified as a Variant of Uncertain Significance. Algorithms developed to predict the effect of missense changes on protein structure and function (SIFT, PolyPhen-2, Align-GVGD) all suggest that this variant is likely to be tolerated.

NM_000065.5(C6):c.1834A>G (p.Thr612Ala)

Gene: C6 (complement C6; minus strand). Cytogenetic location: 5p13.1.
Variant type: single nucleotide variant.
Coding change: c.1834A>G on transcript NM_000065.5 (MANE Select); coding-DNA position 1834, A replaced by G.
Protein change: p.Thr612Ala; replaces threonine 612 with alanine.
Molecular consequence: missense variant.
Genome position (GRCh38, 1-based): chr5:41,159,104, T>C on the plus strand (A>G on the coding strand, the complement: C6 is on the minus strand). VCF-style: chr5-41159104-T-C. GRCh37 (hg19) VCF-style: chr5-41159206-T-C.
Other names: c.1834A>G, p.Thr612Ala (NM_001115131.4); short protein forms T612A.
Identifiers: ClinVar variation 1969061 (VCV001969061.5), dbSNP rs1467548040, ClinGen allele CA359597117.
Genomic context (GRCh38, chr5:41,159,104, plus strand): 5'-GGCAAAATGACCCATTCTTTTCCCTTACCCGGCCTTACTTGTTTTCCATGATTGAAAATG[T>C]GCAGTCTTCCTCTTGTCGCTTCTCCCCCTCACAGCGTTTCCCTCCTCGTTGGGGGGCAGG-3'
Protein context (NP_000056.2, residues 602-622): EGEKRQEEDC[Thr612Ala]FSIMENNGQP